The following is an entry in ClinVar:

ClinVar aggregate classification (germline): Uncertain significance. Review status: criteria provided, multiple submitters, no conflicts (2 of 4 stars). 2 submissions from 2 submitters: Uncertain significance (2). Last evaluated 2023-12-11.

Conditions:
Inborn genetic diseases. Identifiers: MedGen C0950123, MeSH D030342.

Allele frequency attached by ClinVar (database versions not stated): ExAC 0.00003; gnomAD 0.00003; gnomAD exomes 0.00003; TOPMed 0.00003; ESP Exome Variant Server 0.00008.

Submissions (2):

Labcorp Genetics (formerly Invitae), Labcorp
Classification: Uncertain significance. Last evaluated: 2023-12-11. Review status: criteria provided, single submitter. Criteria: Invitae Variant Classification Sherloc (09022015). Collection method: clinical testing. Allele origin: germline.
Comment: This sequence change replaces threonine, which is neutral and polar, with methionine, which is neutral and non-polar, at codon 1900 of the DOCK6 protein (p.Thr1900Met). This variant is present in population databases (rs377697359, gnomAD 0.006%). This variant has not been reported in the literature in individuals affected with DOCK6-related conditions. ClinVar contains an entry for this variant (Variation ID: 1926873). Advanced modeling of protein sequence and biophysical properties (such as structural, functional, and spatial information, amino acid conservation, physicochemical variation, residue mobility, and thermodynamic stability) performed at Invitae indicates that this missense variant is not expected to disrupt DOCK6 protein function with a negative predictive value of 80%. In summary, the available evidence is currently insufficient to determine the role of this variant in disease. Therefore, it has been classified as a Variant of Uncertain Significance.

Ambry Genetics
Classification: Uncertain significance for Inborn genetic diseases. Last evaluated: 2020-11-19. Review status: criteria provided, single submitter. Criteria: Ambry Variant Classification Scheme 2023. Collection method: clinical testing. Allele origin: germline.
Comment: The c.5699C>T (p.T1900M) alteration is located in exon 45 (coding exon 45) of the DOCK6 gene. This alteration results from a C to T substitution at nucleotide position 5699, causing the threonine (T) at amino acid position 1900 to be replaced by a methionine (M). The p.T1900M alteration is predicted to be tolerated by in silico analysis. Based on insufficient or conflicting evidence, the clinical significance of this alteration remains unclear.

NM_020812.4(DOCK6):c.5699C>T (p.Thr1900Met)

Gene: DOCK6 (dedicator of cytokinesis 6; minus strand). Cytogenetic location: 19p13.2.
Variant type: single nucleotide variant.
Coding change: c.5699C>T on transcript NM_020812.4 (MANE Select); coding-DNA position 5699, C replaced by T.
Protein change: p.Thr1900Met; replaces threonine 1900 with methionine.
Molecular consequence: missense variant.
Genome position (GRCh38, 1-based): chr19:11,201,042, G>A on the plus strand (C>T on the coding strand, the complement: DOCK6 is on the minus strand). VCF-style: chr19-11201042-G-A. GRCh37 (hg19) VCF-style: chr19-11311718-G-A.
Other names: c.5804C>T, p.Thr1935Met (NM_001367830.1); short protein forms T1935M, T1900M.
Identifiers: ClinVar variation 1926873 (VCV001926873.4), dbSNP rs377697359, ClinGen allele CA9206362.
Genomic context (GRCh38, chr19:11,201,042, plus strand): 5'-GTGGCAAAGGCCAGCTCCCGTGTCTTCTTCTGCATGTCCTCGATGGCCACCTCCACTGGC[G>A]TCAGCACCGTCTGTGGGGTAAGGGGAGGGGTGTGTACTCGCTGGGGCCTGAGGAGGTCCT-3'
Protein context (NP_065863.2, residues 1890-1910): RVCHREETVL[Thr1900Met]PVEVAIEDMQ